The following is an entry in ClinVar:

NM_015910.7(WDPCP):c.2135T>C (p.Met712Thr)

Gene: WDPCP (WD repeat containing planar cell polarity effector; minus strand). Cytogenetic location: 2p15.
Variant type: single nucleotide variant.
Coding change: c.2135T>C on transcript NM_015910.7 (MANE Select); coding-DNA position 2135, T replaced by C.
Protein change: p.Met712Thr; replaces methionine 712 with threonine.
Molecular consequence: missense variant. On other transcripts: non-coding transcript variant (3).
Genome position (GRCh38, 1-based): chr2:63,153,518, A>G on the plus strand (T>C on the coding strand, the complement: WDPCP is on the minus strand). VCF-style: chr2-63153518-A-G. GRCh37 (hg19) VCF-style: chr2-63380653-A-G.
Other names: c.1658T>C, p.Met553Thr (NM_001042692.3); c.2063T>C, p.Met688Thr (NM_001354044.2); short protein forms M553T, M688T, M712T.
Identifiers: ClinVar variation 3354693 (VCV003354693.2).

ClinVar aggregate classification (germline): Uncertain significance. Review status: criteria provided, single submitter (1 of 4 stars). 2 submissions from 2 submitters: Uncertain significance (1). 1 of the submissions does not count toward it. Last evaluated 2024-03-01.

Conditions:
WDPCP-related disorder. Also called: WDPCP-related condition.
Heart defect - tongue hamartoma - polysyndactyly syndrome. Also called: Congenital heart defects, hamartomas of tongue, and polysyndactyly. Identifiers: Orphanet 1338, MedGen C1857587, MONDO:0009008, OMIM 217085.
Bardet-Biedl syndrome 15 (BBS15). Identifiers: Orphanet 110, MedGen C3150127, MONDO:0014443, OMIM 615992.

gnomAD v4.1: 3 of 1,612,598 alleles (0.00019%); highest among the groups gnomAD compares: African/African-American, 0.0027%; no homozygotes.

Submissions (2):

Fulgent Genetics
Classification: Uncertain significance for Heart defect - tongue hamartoma - polysyndactyly syndrome; Bardet-Biedl syndrome 15. Last evaluated: 2024-03-01. Review status: criteria provided, single submitter. Criteria: ACMG Guidelines, 2015. Collection method: clinical testing. Allele origin: germline.

PreventionGenetics, part of Exact Sciences
Classification: Uncertain significance for WDPCP-related condition. Last evaluated: 2024-04-09. Review status: no assertion criteria provided. Collection method: clinical testing. Allele origin: germline. Not counted in ClinVar's aggregate classification.
Comment: The WDPCP c.2135T>C variant is predicted to result in the amino acid substitution p.Met712Thr. To our knowledge, this variant has not been reported in the literature. This variant is reported in 0.0065% of alleles in individuals of African descent in gnomAD. At this time, the clinical significance of this variant is uncertain due to the absence of conclusive functional and genetic evidence.